The following is an entry in ClinVar:

NM_004208.4(AIFM1):c.1112C>A (p.Ser371Tyr)

Genes: AIFM1 (apoptosis inducing factor mitochondria associated 1; minus strand), RAB33A (RAB33A, member RAS oncogene family; plus strand). Cytogenetic location: Xq26.1.
Variant type: single nucleotide variant.
Coding change: c.1112C>A on transcript NM_004208.4 (MANE Select); coding-DNA position 1112, C replaced by A.
Protein change: p.Ser371Tyr; replaces serine 371 with tyrosine.
Molecular consequence: missense variant. On other transcripts: 3 prime UTR variant (1), non-coding transcript variant (1).
Genome position (GRCh38, 1-based): chrX:130,136,695, G>T on the plus strand (C>A on the coding strand, the complement: AIFM1 is on the minus strand). VCF-style: chrX-130136695-G-T. GRCh37 (hg19) VCF-style: chrX-129270670-G-T.
Other names: c.95C>A, p.Ser32Tyr (NM_001130846.4); c.*340C>A (NM_001130847.4); c.1100C>A, p.Ser367Tyr (NM_145812.3); c.1112C>A (NM_004208.3); short protein forms S371Y, S32Y, S367Y.
Identifiers: ClinVar variation 2928438 (VCV002928438.3), dbSNP rs2030354409, ClinGen allele CA414578238.

ClinVar aggregate classification (germline): Uncertain significance. Review status: criteria provided, multiple submitters, no conflicts (2 of 4 stars). 2 submissions from 2 submitters: Uncertain significance (2). Last evaluated 2025-08-14.

Conditions:
Charcot-Marie-Tooth Neuropathy X. Identifiers: MedGen CN118851.
Combined oxidative phosphorylation deficiency. Identifiers: MedGen C4540031, MONDO:0000732.

Allele frequency attached by ClinVar (database versions not stated): TOPMed below 0.00001.

Submissions (2):

GeneDx
Classification: Uncertain significance. Last evaluated: 2025-08-14. Review status: criteria provided, single submitter. Criteria: GeneDx Variant Classification Process June 2021. Collection method: clinical testing. Allele origin: germline. Affected: yes.
Comment: Not observed at significant frequency in large population cohorts (gnomAD); In silico analysis supports that this missense variant has a deleterious effect on protein structure/function; Has not been previously published as pathogenic or benign to our knowledge

Labcorp Genetics (formerly Invitae), Labcorp
Classification: Uncertain significance for Charcot-Marie-Tooth Neuropathy X; Combined oxidative phosphorylation deficiency. Last evaluated: 2024-10-07. Review status: criteria provided, single submitter. Criteria: Invitae Variant Classification Sherloc (09022015). Collection method: clinical testing. Allele origin: germline.
Comment: This sequence change replaces serine, which is neutral and polar, with tyrosine, which is neutral and polar, at codon 371 of the AIFM1 protein (p.Ser371Tyr). This variant is not present in population databases (gnomAD no frequency). This variant has not been reported in the literature in individuals affected with AIFM1-related conditions. Invitae Evidence Modeling of protein sequence and biophysical properties (such as structural, functional, and spatial information, amino acid conservation, physicochemical variation, residue mobility, and thermodynamic stability) indicates that this missense variant is not expected to disrupt AIFM1 protein function with a negative predictive value of 80%. In summary, the available evidence is currently insufficient to determine the role of this variant in disease. Therefore, it has been classified as a Variant of Uncertain Significance.